The following is an entry in ClinVar:

NM_001105206.3(LAMA4):c.2203A>G (p.Arg735Gly)

Gene: LAMA4 (laminin subunit alpha 4; minus strand). Cytogenetic location: 6q21.
Variant type: single nucleotide variant.
Coding change: c.2203A>G on transcript NM_001105206.3 (MANE Select); coding-DNA position 2203, A replaced by G.
Protein change: p.Arg735Gly; replaces arginine 735 with glycine.
Molecular consequence: missense variant.
Genome position (GRCh38, 1-based): chr6:112,148,307, T>C on the plus strand (A>G on the coding strand, the complement: LAMA4 is on the minus strand). VCF-style: chr6-112148307-T-C. GRCh37 (hg19) VCF-style: chr6-112469509-T-C.
Other names: c.2182A>G, p.Arg728Gly (NM_001105207.3, NM_002290.5); short protein forms R728G, R735G.
Identifiers: ClinVar variation 541221 (VCV000541221.14), dbSNP rs552625719, ClinGen allele CA3965534.

ClinVar aggregate classification (germline): Conflicting classifications of pathogenicity. Review status: criteria provided, conflicting classifications (1 of 4 stars). 3 submissions from 3 submitters: Uncertain significance (2); Likely benign (1). Last evaluated 2025-09-24.

Conditions:
Dilated cardiomyopathy 1JJ (CMD1JJ). Identifiers: Orphanet 154, MedGen C3808935, MONDO:0014095, OMIM 615235.
Cardiovascular phenotype. Identifiers: MedGen CN230736.

Allele frequency attached by ClinVar (database versions not stated): gnomAD 0.00001 and 0.00003; gnomAD exomes 0.00001 and 0.00002; TOPMed 0.00001; ExAC 0.00002; 1000 Genomes Project 0.00040; 1000 Genomes Project 30x 0.00047.
gnomAD v4.1: 15 of 1,614,196 alleles (0.00093%); highest among the groups gnomAD compares: Admixed American, 0.01%; no homozygotes.

Submissions (3):

Labcorp Genetics (formerly Invitae), Labcorp
Classification: Uncertain significance for Dilated cardiomyopathy 1JJ. Last evaluated: 2025-09-24. Review status: criteria provided, single submitter. Criteria: Invitae Variant Classification Sherloc (09022015). Collection method: clinical testing. Allele origin: germline.
Comment: This sequence change replaces arginine, which is basic and polar, with glycine, which is neutral and non-polar, at codon 728 of the LAMA4 protein (p.Arg728Gly). This variant is present in population databases (rs552625719, gnomAD 0.006%). This variant has not been reported in the literature in individuals affected with LAMA4-related conditions. ClinVar contains an entry for this variant (Variation ID: 541221). Invitae Evidence Modeling of protein sequence and biophysical properties (such as structural, functional, and spatial information, amino acid conservation, physicochemical variation, residue mobility, and thermodynamic stability) indicates that this missense variant is expected to disrupt LAMA4 protein function with a positive predictive value of 80%. In summary, the available evidence is currently insufficient to determine the role of this variant in disease. Therefore, it has been classified as a Variant of Uncertain Significance.

Ambry Genetics
Classification: Likely benign for Cardiovascular phenotype. Last evaluated: 2025-06-13. Review status: criteria provided, single submitter. Criteria: Ambry Variant Classification Scheme 2023. Collection method: clinical testing. Allele origin: germline.

GeneDx
Classification: Uncertain significance. Last evaluated: 2021-02-25. Review status: criteria provided, single submitter. Criteria: GeneDx Variant Classification Process June 2021. Collection method: clinical testing. Allele origin: germline. Affected: yes.
Comment: Has not been previously published as pathogenic or benign to our knowledge; Reported in ClinVar as a variant of uncertain significance (ClinVar Variant ID# 541221; Landrum et al., 2016); Not observed at a significant frequency in large population cohorts (Lek et al., 2016); In silico analysis, which includes protein predictors and evolutionary conservation, supports a deleterious effect